The following is an entry in ClinVar:

ClinVar aggregate classification (germline): Likely pathogenic (1 of 4 stars; one submission).

Conditions:
Cockayne syndrome type 2 (CSB). Also called: Cockayne Syndrome, Type II; COCKAYNE SYNDROME B. Identifiers: Orphanet 191, Orphanet 90322, MedGen C0751038, MONDO:0019570, OMIM 133540.

Submission:

Department of Molecular Genetics, Istishari Arab Hospital
Classification: Likely pathogenic for Cockayne syndrome type 2. Last evaluated: 2026-02-22. Review status: criteria provided, single submitter. Criteria: ACMG Guidelines, 2015. Collection method: clinical testing. Allele origin: germline. Inheritance: Autosomal recessive inheritance. Affected: yes.
Comment: The ERCC6 variant c.3224del p.Ala1075Valfs*6 creates a shift in the reading frame at position 1075, introducing a premature stop codon 6 amino acids downstream. This is predicted to result in a loss or disruption of normal protein function through nonsense-mediated decay (NMD) or protein truncation. This variant is not observed in the gnomAD v4.1.0 dataset. It is classified as likely pathogenic according to the recommendations of ACMG/AMP/ClinGen SVI guidelines.

NM_000124.4(ERCC6):c.3224del (p.Ala1075fs)

Gene: ERCC6 (ERCC excision repair 6, chromatin remodeling factor; minus strand). Cytogenetic location: 10q11.23.
Variant type: Deletion.
Coding change: c.3224del on transcript NM_000124.4 (MANE Select); coding-DNA position 3224, one base deleted (C; older notation c.3224delC).
Protein change: p.Ala1075fs; shifts the reading frame from alanine 1075.
Molecular consequence: frameshift variant.
Genome position (GRCh38, 1-based): chr10:49,470,736, G deleted on the plus strand (C on the coding strand, the reverse complement: ERCC6 is on the minus strand). VCF-style (leftmost placement, unchanged base first): chr10-49470735-AG-A. GRCh37 (hg19) VCF-style: chr10-50678781-AG-A.
Other names: p.Ala1075Valfs*6; c.3224del, p.Ala1075fs (NM_001346440.2); short protein forms A1075fs.
Identifiers: ClinVar variation 4796676 (VCV004796676.1).